The following is an entry in ClinVar:

NM_173354.5(SIK1):c.2049G>A (p.Pro683=)

Gene: SIK1 (salt inducible kinase 1; minus strand). Cytogenetic location: 21q22.3.
Variant type: single nucleotide variant.
Coding change: c.2049G>A on transcript NM_173354.5 (MANE Select); coding-DNA position 2049, G replaced by A.
Protein change: p.Pro683=; no amino-acid change (proline 683 retained).
Molecular consequence: synonymous variant.
Genome position (GRCh38, 1-based): chr21:43,417,045, C>T on the plus strand (G>A on the coding strand, the complement: SIK1 is on the minus strand). VCF-style: chr21-43417045-C-T. GRCh37 (hg19) VCF-style: chr21-44836925-C-T.
Identifiers: ClinVar variation 476095 (VCV000476095.39), dbSNP rs373872652, ClinGen allele CA321324508.

ClinVar aggregate classification (germline): Benign/Likely benign. Review status: criteria provided, multiple submitters, no conflicts (2 of 4 stars). 4 submissions from 4 submitters: Benign (1); Likely benign (3). Last evaluated 2026-01-12.

Conditions:
Developmental and epileptic encephalopathy, 30 (DEE30). Also called: Epileptic encephalopathy, early infantile, 30. Identifiers: MedGen C4225360, MONDO:0014595, OMIM 616341.
Inborn genetic diseases. Identifiers: MedGen C0950123, MeSH D030342.

Allele frequency attached by ClinVar (database versions not stated): ESP Exome Variant Server 0.00028; gnomAD 0.00067; gnomAD exomes 0.00069; 1000 Genomes Project 0.00100; ExAC 0.00261.

Submissions (4):

Labcorp Genetics (formerly Invitae), Labcorp
Classification: Benign for Developmental and epileptic encephalopathy, 30. Last evaluated: 2026-01-12. Review status: criteria provided, single submitter. Criteria: Invitae Variant Classification Sherloc (09022015). Collection method: clinical testing. Allele origin: germline.

CeGaT Center for Human Genetics Tuebingen
Classification: Likely benign. Last evaluated: 2024-12-01. Review status: criteria provided, single submitter. Criteria: CeGaT Center For Human Genetics Tuebingen Variant Classification Criteria Version 2. Collection method: clinical testing. Allele origin: germline. Affected: yes. Observed: 3 variant alleles.
Comment: SIK1: BP4, BP7

Blueprint Genetics
Classification: Likely benign. Last evaluated: 2024-11-07. Review status: criteria provided, single submitter. Criteria: ACMG Guidelines, 2015. Collection method: clinical testing. Allele origin: germline.

Ambry Genetics
Classification: Likely benign for Inborn genetic diseases. Last evaluated: 2016-08-17. Review status: criteria provided, single submitter. Criteria: Ambry Variant Classification Scheme 2023. Collection method: clinical testing. Allele origin: germline.